The following is an entry in ClinVar:

ClinVar aggregate classification (germline): Uncertain significance (1 of 4 stars; one submission).

Submission:

Women's Health and Genetics/Laboratory Corporation of America, LabCorp
Classification: Uncertain significance. Last evaluated: 2023-11-21. Review status: criteria provided, single submitter. Criteria: LabCorp Variant Classification Summary - May 2015. Collection method: clinical testing. Allele origin: germline.
Comment: Variant summary: The variant involves the duplication of exon 31 in the DMD gene. A presumed nomenclature of c.(4233+1_4234-1)_(4344+1_4345-1)dup has been designated for the purposes of this classification. It is assumed to be a tandem duplication in direct orientation (Richardson_GIM_2018, Newman_AJHG_2015). This Copy Number Variant (CNV) is predicted to result in an in-frame duplication within this gene. The variant was absent in 16116 control chromosomes (gnomAD, Structural Variants dataset). c.(4233+1_4234-1)_(4344+1_4345-1)dup has been reported in the literature in individuals affected with Dystrophinopathies (Wang_2011, Li_2015, Thakur_2019). These data indicate that the variant may be associated with disease. To our knowledge, no experimental evidence demonstrating an impact on protein function has been reported. The following publications have been ascertained in the context of this evaluation (PMID: 22234188, 25612904, 31347541). No submitters have cited clinical-significance assessments for this variant to ClinVar after 2014. Based on the evidence outlined above, the variant was classified as VUS-possibly pathogenic.

Literature cited by the submitters: PubMed 25612904; PubMed 31347541; PubMed 22234188.

NC_000023.10:g.(32407792_32408187)_(32408299_32429868)dup

Gene: DMD (dystrophin; minus strand). Cytogenetic location: Xp21.1.
Variant type: Duplication.
Identifiers: ClinVar variation 2682223 (VCV002682223.1).